The following is an entry in ClinVar:

NM_000334.4(SCN4A):c.674G>A (p.Arg225Gln)

Gene: SCN4A (sodium voltage-gated channel alpha subunit 4; minus strand). Cytogenetic location: 17q23.3.
Variant type: single nucleotide variant.
Coding change: c.674G>A on transcript NM_000334.4 (MANE Select); coding-DNA position 674, G replaced by A.
Protein change: p.Arg225Gln; replaces arginine 225 with glutamine.
Molecular consequence: missense variant.
Genome position (GRCh38, 1-based): chr17:63,971,191, C>T on the plus strand (G>A on the coding strand, the complement: SCN4A is on the minus strand). VCF-style: chr17-63971191-C-T. GRCh37 (hg19) VCF-style: chr17-62048551-C-T.
Other names: short protein forms R225Q.
Identifiers: ClinVar variation 477431 (VCV000477431.9), dbSNP rs547866546, ClinGen allele CA8710085.
Genomic context (GRCh38, chr17:63,971,191, plus strand): 5'-CAGGCAGAGGGTCCCTGCACCTCCCCAGTACCTGGGATGACCGTGATGGTTTTGAGGGCC[C>T]GCAGCACCCGGAAGGTCCTCAGGGCTGAGATGTTGCCCAAGTCCACAAACTCTGTCAGGT-3'
Protein context (NP_000325.4, residues 215-235): ISALRTFRVL[Arg225Gln]ALKTITVIPG

ClinVar aggregate classification (germline): Uncertain significance (1 of 4 stars; one submission).

Conditions:
Hyperkalemic periodic paralysis. Also called: Gamstorp disease; Familial hyperkalemic periodic paralysis. Identifiers: Orphanet 682, MedGen C0238357, MONDO:0008224, OMIM 170500, HP:0007215.

Allele frequency attached by ClinVar (database versions not stated): ExAC below 0.00001; TOPMed below 0.00001; gnomAD 0.00001 and 0.00002; gnomAD exomes 0.00003; 1000 Genomes Project 30x 0.00016; 1000 Genomes Project 0.00020.
gnomAD v4.1: 42 of 1,564,876 alleles (0.0027%); highest among the groups gnomAD compares: East Asian, 0.0071%; no homozygotes.

Submission:

Labcorp Genetics (formerly Invitae), Labcorp
Classification: Uncertain significance for Hyperkalemic periodic paralysis. Last evaluated: 2024-11-22. Review status: criteria provided, single submitter. Criteria: Invitae Variant Classification Sherloc (09022015). Collection method: clinical testing. Allele origin: germline.
Comment: This sequence change replaces arginine, which is basic and polar, with glutamine, which is neutral and polar, at codon 225 of the SCN4A protein (p.Arg225Gln). The frequency data for this variant in the population databases is considered unreliable, as metrics indicate poor data quality at this position in the gnomAD database. This missense change has been observed in individual(s) with clinical features of autosomal recessive congenital myopathy or myasthenic syndrome (PMID: 36099689). ClinVar contains an entry for this variant (Variation ID: 477431). Invitae Evidence Modeling of protein sequence and biophysical properties (such as structural, functional, and spatial information, amino acid conservation, physicochemical variation, residue mobility, and thermodynamic stability) indicates that this missense variant is expected to disrupt SCN4A protein function with a positive predictive value of 80%. This variant disrupts the p.Arg225 amino acid residue in SCN4A. Other variant(s) that disrupt this residue have been observed in individuals with SCN4A-related conditions (PMID: 26700687, 36099689), which suggests that this may be a clinically significant amino acid residue. In summary, the available evidence is currently insufficient to determine the role of this variant in disease. Therefore, it has been classified as a Variant of Uncertain Significance.

Literature cited by the submitters: PubMed 36099689; PubMed 26700687.